The following is an entry in ClinVar:

NM_001164665.2(KIAA1549):c.238G>A (p.Val80Met)

Gene: KIAA1549 (KIAA1549; minus strand). Cytogenetic location: 7q34.
Variant type: single nucleotide variant.
Coding change: c.238G>A on transcript NM_001164665.2 (MANE Select); coding-DNA position 238, G replaced by A.
Protein change: p.Val80Met; replaces valine 80 with methionine.
Molecular consequence: missense variant.
Genome position (GRCh38, 1-based): chr7:138,919,388, C>T on the plus strand (G>A on the coding strand, the complement: KIAA1549 is on the minus strand). VCF-style: chr7-138919388-C-T. GRCh37 (hg19) VCF-style: chr7-138604134-C-T.
Other names: c.238G>A, p.Val80Met (NM_020910.3); short protein forms V80M.
Identifiers: ClinVar variation 844425 (VCV000844425.8), dbSNP rs1449932411, ClinGen allele CA369403485.

ClinVar aggregate classification (germline): Conflicting classifications of pathogenicity. Review status: criteria provided, conflicting classifications (1 of 4 stars). 2 submissions from 2 submitters: Uncertain significance (1); Likely benign (1). Last evaluated 2024-01-02.

Conditions:
Inborn genetic diseases. Identifiers: MedGen C0950123, MeSH D030342.

Allele frequency attached by ClinVar (database versions not stated): gnomAD 0.00001; gnomAD exomes 0.00001; TOPMed 0.00001.

Submissions (2):

Ambry Genetics
Classification: Likely benign for Inborn genetic diseases. Last evaluated: 2024-01-02. Review status: criteria provided, single submitter. Criteria: Ambry Variant Classification Scheme 2023. Collection method: clinical testing. Allele origin: germline.

Labcorp Genetics (formerly Invitae), Labcorp
Classification: Uncertain significance. Last evaluated: 2023-11-06. Review status: criteria provided, single submitter. Criteria: Invitae Variant Classification Sherloc (09022015). Collection method: clinical testing. Allele origin: germline.
Comment: This sequence change replaces valine, which is neutral and non-polar, with methionine, which is neutral and non-polar, at codon 80 of the KIAA1549 protein (p.Val80Met). This variant is present in population databases (no rsID available, gnomAD 0.003%). This variant has not been reported in the literature in individuals affected with KIAA1549-related conditions. ClinVar contains an entry for this variant (Variation ID: 844425). Algorithms developed to predict the effect of missense changes on protein structure and function output the following: SIFT: "Not Available"; PolyPhen-2: "Benign"; Align-GVGD: "Not Available". The methionine amino acid residue is found in multiple mammalian species, which suggests that this missense change does not adversely affect protein function. In summary, the available evidence is currently insufficient to determine the role of this variant in disease. Therefore, it has been classified as a Variant of Uncertain Significance.